The following is an entry in ClinVar:

ClinVar aggregate classification (germline): Pathogenic (1 of 4 stars; one submission).

Submission:

Labcorp Genetics (formerly Invitae), Labcorp
Classification: Pathogenic. Last evaluated: 2024-02-17. Review status: criteria provided, single submitter. Criteria: Invitae Variant Classification Sherloc (09022015). Collection method: clinical testing. Allele origin: germline.
Comment: This sequence change creates a premature translational stop signal (p.Asn57Lysfs*17) in the NDUFAF5 gene. It is expected to result in an absent or disrupted protein product. Loss-of-function variants in NDUFAF5 are known to be pathogenic (PMID: 26275793, 30473481, 32918965). This variant is not present in population databases (gnomAD no frequency). This variant has not been reported in the literature in individuals affected with NDUFAF5-related conditions. For these reasons, this variant has been classified as Pathogenic.

Literature cited by the submitters: PubMed 26275793; PubMed 30473481; PubMed 32918965.

NM_024120.5(NDUFAF5):c.158_170dup (p.Asn57fs)

Genes: NDUFAF5 (NADH:ubiquinone oxidoreductase complex assembly factor 5; plus strand), LOC130065433 (ATAC-STARR-seq lymphoblastoid active region 17552; plus strand). Cytogenetic location: 20p12.1.
Variant type: Duplication.
Coding change: c.158_170dup on transcript NM_024120.5 (MANE Select); coding-DNA positions 158 to 170, 13 bases duplicated (GGAAACAGAAGAA).
Protein change: p.Asn57fs; shifts the reading frame from asparagine 57.
Molecular consequence: frameshift variant. On other transcripts: 5 prime UTR variant (3), non-coding transcript variant (7).
Genome position (GRCh38, 1-based): chr20:13,785,226-13,785,238, GGAAACAGAAGAA duplicated; duplicating any 13 consecutive bases within chr20:13,785,224-13,785,238 gives the same sequence; the c. name uses the placement nearest the transcript's 3' end. VCF-style (leftmost placement, unchanged base first): chr20-13785223-A-AAAGGAAACAGAAG. GRCh37 (hg19) VCF-style: chr20-13765869-A-AAAGGAAACAGAAG.
Other names: c.158_170dup, p.Asn57fs (NM_001039375.3, NM_001352408.2); c.-210_-198dup (NM_001352403.2); c.-424_-412dup (NM_001352406.2); c.-538_-526dup (NM_001352407.2); short protein forms N57fs.
Identifiers: ClinVar variation 3672217 (VCV003672217.2).